The following is an entry in ClinVar:

NM_000075.4(CDK4):c.180G>A (p.Leu60=)

Genes: CDK4 (cyclin dependent kinase 4; minus strand), LOC130008148 (ATAC-STARR-seq lymphoblastoid silent region 4588; plus strand). Cytogenetic location: 12q14.1.
Variant type: single nucleotide variant.
Coding change: c.180G>A on transcript NM_000075.4 (MANE Select); coding-DNA position 180, G replaced by A.
Protein change: p.Leu60=; no amino-acid change (leucine 60 retained).
Molecular consequence: synonymous variant.
Genome position (GRCh38, 1-based): chr12:57,751,538, C>T on the plus strand (G>A on the coding strand, the complement: CDK4 is on the minus strand). VCF-style: chr12-57751538-C-T. GRCh37 (hg19) VCF-style: chr12-58145321-C-T.
Other names: c.180G>A (LRG_490t1).
Identifiers: ClinVar variation 485494 (VCV000485494.21), dbSNP rs1555201367, ClinGen allele CA480404832.
Genomic context (GRCh38, chr12:57,751,538, plus strand): 5'-CAACCCTCCACCACCTTCTCACCGGACAACATTGGGATGCTCAAAAGCCTCCAGTCGCCT[C>T]AGTAAAGCCACCTCACGAACTGTGCTGATGGGAAGGCCTCCTCCACCTCCTCCTCCATTG-3'
Protein context (NP_000066.1, residues 50-70): PISTVREVAL[Leu60=]RRLEAFEHPN

ClinVar aggregate classification (germline): Benign/Likely benign. Review status: criteria provided, multiple submitters, no conflicts (2 of 4 stars). 5 submissions from 5 submitters: Benign (1); Likely benign (4). Last evaluated 2025-03-04.

Conditions:
Melanoma, cutaneous malignant, susceptibility to, 3. Also called: Cutaneous malignant melanoma 3. Identifiers: Orphanet 618, MedGen C1836892, MONDO:0012183, OMIM 609048.
Hereditary cancer-predisposing syndrome. Also called: Neoplastic Syndromes, Hereditary; Tumor predisposition; Hereditary Cancer Syndrome; Hereditary neoplastic syndrome. Identifiers: Orphanet 140162, MedGen C0027672, MeSH D009386, MONDO:0015356.
Familial melanoma. Also called: Hereditary melanoma; Hereditary cutaneous melanoma. Identifiers: Orphanet 618, MedGen C1512419, MONDO:0018961.

Submissions (5):

Center for Genomic Medicine, Rigshospitalet, Copenhagen University Hospital
Classification: Likely benign. Last evaluated: 2025-03-04. Review status: criteria provided, single submitter. Criteria: ACMG Guidelines, 2015. Collection method: clinical testing. Allele origin: germline.

Myriad Genetics, Inc.
Classification: Benign for Melanoma, cutaneous malignant, susceptibility to, 3. Last evaluated: 2024-09-24. Review status: criteria provided, single submitter. Criteria: Myriad Autosomal Dominant, Autosomal Recessive and X-Linked Classification Criteria (2023). Collection method: clinical testing. Allele origin: unknown.
Comment: This variant is considered benign. This variant is a silent/synonymous amino acid change and it is not expected to impact splicing.

Labcorp Genetics (formerly Invitae), Labcorp
Classification: Likely benign for Familial melanoma. Last evaluated: 2024-04-10. Review status: criteria provided, single submitter. Criteria: Invitae Variant Classification Sherloc (09022015). Collection method: clinical testing. Allele origin: germline.

GeneDx
Classification: Likely benign. Last evaluated: 2017-08-21. Review status: criteria provided, single submitter. Criteria: GeneDx Variant Classification (06012015). Collection method: clinical testing. Allele origin: germline. Affected: yes.
Comment: This variant is considered likely benign or benign based on one or more of the following criteria: it is a conservative change, it occurs at a poorly conserved position in the protein, it is predicted to be benign by multiple in silico algorithms, and/or has population frequency not consistent with disease.

Ambry Genetics
Classification: Likely benign for Hereditary cancer-predisposing syndrome. Last evaluated: 2017-01-11. Review status: criteria provided, single submitter. Criteria: Ambry Variant Classification Scheme 2023. Collection method: clinical testing. Allele origin: germline.